The following is an entry in ClinVar:

NM_058216.3(RAD51C):c.1075A>T (p.Thr359Ser)

Gene: RAD51C (RAD51 paralog C; plus strand). Cytogenetic location: 17q22.
Variant type: single nucleotide variant.
Coding change: c.1075A>T on transcript NM_058216.3 (MANE Select); coding-DNA position 1075, A replaced by T.
Protein change: p.Thr359Ser; replaces threonine 359 with serine.
Molecular consequence: missense variant. On other transcripts: non-coding transcript variant (1).
Genome position (GRCh38, 1-based): chr17:58,734,166, A>T. VCF-style: chr17-58734166-A-T. GRCh37 (hg19) VCF-style: chr17-56811527-A-T.
Other names: short protein forms T359S.
Identifiers: ClinVar variation 1402573 (VCV001402573.8), dbSNP rs1368752573, ClinGen allele CA400366273.

ClinVar aggregate classification (germline): Uncertain significance (1 of 4 stars; one submission).

Conditions:
Fanconi anemia complementation group O. Also called: RAD51C-Related Fanconi Anemia. Identifiers: Orphanet 84, MedGen C3150653, MONDO:0013248, OMIM 613390.

Submission:

Labcorp Genetics (formerly Invitae), Labcorp
Classification: Uncertain significance for Fanconi anemia complementation group O. Last evaluated: 2021-06-27. Review status: criteria provided, single submitter. Criteria: Invitae Variant Classification Sherloc (09022015). Collection method: clinical testing. Allele origin: germline.
Comment: This sequence change replaces threonine with serine at codon 359 of the RAD51C protein (p.Thr359Ser). The threonine residue is weakly conserved and there is a small physicochemical difference between threonine and serine. This variant is not present in population databases (ExAC no frequency). This variant has not been reported in the literature in individuals with RAD51C-related conditions. Algorithms developed to predict the effect of missense changes on protein structure and function (SIFT, PolyPhen-2, Align-GVGD) all suggest that this variant is likely to be tolerated, but these predictions have not been confirmed by published functional studies and their clinical significance is uncertain. In summary, the available evidence is currently insufficient to determine the role of this variant in disease. Therefore, it has been classified as a Variant of Uncertain Significance.